The following is an entry in ClinVar:

ClinVar aggregate classification (germline): Uncertain significance. Review status: criteria provided, multiple submitters, no conflicts (2 of 4 stars). 2 submissions from 2 submitters: Uncertain significance (2). Last evaluated 2025-06-19.

Conditions:
Inborn genetic diseases. Identifiers: MedGen C0950123, MeSH D030342.

Allele frequency attached by ClinVar (database versions not stated): gnomAD exomes 0.00002; ExAC 0.00008; ESP Exome Variant Server 0.00008; gnomAD 0.00019; TOPMed 0.00023; 1000 Genomes Project 30x 0.00047; 1000 Genomes Project 0.00060.
gnomAD v4.1: 59 of 1,614,038 alleles (0.0037%); highest among the groups gnomAD compares: African/African-American, 0.072%; no homozygotes.

Submissions (2):

Ambry Genetics
Classification: Uncertain significance for Inborn genetic diseases. Last evaluated: 2025-06-19. Review status: criteria provided, single submitter. Criteria: Ambry Variant Classification Scheme 2023. Collection method: clinical testing. Allele origin: germline.

Labcorp Genetics (formerly Invitae), Labcorp
Classification: Uncertain significance. Last evaluated: 2023-03-24. Review status: criteria provided, single submitter. Criteria: Invitae Variant Classification Sherloc (09022015). Collection method: clinical testing. Allele origin: germline.
Comment: In summary, the available evidence is currently insufficient to determine the role of this variant in disease. Therefore, it has been classified as a Variant of Uncertain Significance. Advanced modeling of protein sequence and biophysical properties (such as structural, functional, and spatial information, amino acid conservation, physicochemical variation, residue mobility, and thermodynamic stability) performed at Invitae indicates that this missense variant is expected to disrupt ALOXE3 protein function. This variant has not been reported in the literature in individuals affected with ALOXE3-related conditions. This variant is present in population databases (rs3027206, gnomAD 0.08%). This sequence change replaces leucine, which is neutral and non-polar, with tryptophan, which is neutral and slightly polar, at codon 414 of the ALOXE3 protein (p.Leu414Trp).

NM_021628.3(ALOXE3):c.1241T>G (p.Leu414Trp)

Gene: ALOXE3 (arachidonate epidermal lipoxygenase 3; minus strand). Cytogenetic location: 17p13.1.
Variant type: single nucleotide variant.
Coding change: c.1241T>G on transcript NM_021628.3 (MANE Select); coding-DNA position 1241, T replaced by G.
Protein change: p.Leu414Trp; replaces leucine 414 with tryptophan.
Molecular consequence: missense variant.
Genome position (GRCh38, 1-based): chr17:8,110,156, A>C on the plus strand (T>G on the coding strand, the complement: ALOXE3 is on the minus strand). VCF-style: chr17-8110156-A-C. GRCh37 (hg19) VCF-style: chr17-8013474-A-C.
Other names: c.1241T>G (NM_021628.2); c.1637T>G, p.Leu546Trp (NM_001165960.1); c.1238T>G, p.Leu413Trp (NM_001369446.1); short protein forms L546W, L413W, L414W.
Identifiers: ClinVar variation 2764634 (VCV002764634.4), dbSNP rs3027206, ClinGen allele CA8368152.